The following is an entry in ClinVar:

ClinVar aggregate classification (germline): Pathogenic (1 of 4 stars; one submission).

Conditions:
Inborn genetic diseases. Identifiers: MedGen C0950123, MeSH D030342.

Submission:

Ambry Genetics
Classification: Pathogenic for Inborn genetic diseases. Last evaluated: 2022-06-17. Review status: criteria provided, single submitter. Criteria: Ambry Variant Classification Scheme 2023. Collection method: clinical testing. Allele origin: germline.
Comment: The c.274dupG (p.V92Gfs*9) alteration, located in exon 3 (coding exon 3) of the ARL13B gene, consists of a duplication of G at position 274, causing a translational frameshift with a predicted alternate stop codon after 9 amino acids. This alteration is expected to result in loss of function by premature protein truncation or nonsense-mediated mRNA decay. This variant was not reported in population-based cohorts in the Genome Aggregation Database (gnomAD). Based on the available evidence, this alteration is classified as pathogenic.

NM_001174150.2(ARL13B):c.274dup (p.Val92fs)

Gene: ARL13B (ARF like GTPase 13B; plus strand). Cytogenetic location: 3q11.2.
Variant type: Duplication.
Coding change: c.274dup on transcript NM_001174150.2 (MANE Select); coding-DNA position 274, one base duplicated (G; older notation c.274dupG).
Protein change: p.Val92fs; shifts the reading frame from valine 92.
Molecular consequence: frameshift variant. On other transcripts: 5 prime UTR variant (1), intron variant (1).
Genome position (GRCh38, 1-based): chr3:94,003,802, G duplicated; the last of 4 consecutive G bases (chr3:94,003,799-94,003,802); duplicating any one gives the same sequence. VCF-style (leftmost placement, unchanged base first): chr3-94003798-T-TG. GRCh37 (hg19) VCF-style: chr3-93722642-T-TG.
Other names: c.-36dup (NM_001174151.2); c.229dup, p.Val77fs (NM_001321328.2); c.274dup, p.Val92Glyfs (NM_001410782.1); c.274dup, p.Val92fs (NM_182896.3); c.59+23320dup (NM_144996.4); short protein forms V77fs, V92fs.
Identifiers: ClinVar variation 2288477 (VCV002288477.2), dbSNP rs1159609485, ClinGen allele CA912673266.